The following is an entry in ClinVar:

ClinVar aggregate classification (germline): Uncertain significance (1 of 4 stars; one submission).

Conditions:
Werner syndrome (WRN). Identifiers: Orphanet 902, MedGen C0043119, MONDO:0010196, OMIM 277700.

gnomAD v4.1: 1 of 1,612,876 alleles (0.000062%); no homozygotes.

Submission:

Labcorp Genetics (formerly Invitae), Labcorp
Classification: Uncertain significance for Werner syndrome. Last evaluated: 2025-02-25. Review status: criteria provided, single submitter. Criteria: Invitae Variant Classification Sherloc (09022015). Collection method: clinical testing. Allele origin: germline.
Comment: This sequence change replaces tyrosine, which is neutral and polar, with serine, which is neutral and polar, at codon 587 of the WRN protein (p.Tyr587Ser). This variant is not present in population databases (gnomAD no frequency). This variant has not been reported in the literature in individuals affected with WRN-related conditions. ClinVar contains an entry for this variant (Variation ID: 1392433). An algorithm developed to predict the effect of missense changes on protein structure and function (PolyPhen-2) suggests that this variant is likely to be disruptive. In summary, the available evidence is currently insufficient to determine the role of this variant in disease. Therefore, it has been classified as a Variant of Uncertain Significance.

NM_000553.6(WRN):c.1760A>C (p.Tyr587Ser)

Gene: WRN (WRN RecQ like helicase; plus strand). Cytogenetic location: 8p12.
Variant type: single nucleotide variant.
Coding change: c.1760A>C on transcript NM_000553.6 (MANE Select); coding-DNA position 1760, A replaced by C.
Protein change: p.Tyr587Ser; replaces tyrosine 587 with serine.
Molecular consequence: missense variant.
Genome position (GRCh38, 1-based): chr8:31,090,873, A>C. VCF-style: chr8-31090873-A-C. GRCh37 (hg19) VCF-style: chr8-30948389-A-C.
Other names: short protein forms Y587S.
Identifiers: ClinVar variation 1392433 (VCV001392433.8), dbSNP rs137977751, ClinGen allele CA370927721.